The following is an entry in ClinVar:

ClinVar aggregate classification (germline): Uncertain significance (1 of 4 stars; one submission).

Submission:

GeneDx
Classification: Uncertain significance. Last evaluated: 2013-03-01. Review status: criteria provided, single submitter. Criteria: GeneDx Variant Classification (06012015). Collection method: clinical testing. Allele origin: germline. Affected: yes.
Comment: c.1509_1510delinsTG: p.Lys504Glu (K504E) in exon 8 of the POLG gene (NM_002693.2). The sequence shown with the deleted bases in brackets and the inserted bases in braces is: AGGT[GA]{TG}AGAA. The Lys504Glu variant not been published as a mutation, nor has it been reported as a benign polymorphism to our knowledge. The NHLBI ESP Exome Variant Project has not identified Lys504Glu in approximately 6,500 individuals of European or African American ethnicity, indicating that it is not a common benign variant in these populations. The amino acid substitution is non-conservative, as a positively charged Lysine residue is replaced by a negatively charged Glutamic acid residue. However, it alters a poorly conserved position in the linker region of the protein. While one in silico algorithm predicts it may be damaging to protein structure/function, other models suggest it may be benign. Therefore, based on the currently available information, it is unclear whether Lys504Glu is a disease-causing mutation or a rare benign variant. The variant is found in INFANT-EPI panel(s).

NM_002693.3(POLG):c.1509_1510delinsTG (p.Lys504Glu)

Genes: POLG (DNA polymerase gamma, catalytic subunit; minus strand), POLGARF (POLG alternative reading frame; minus strand). Cytogenetic location: 15q26.1.
Variant type: Indel.
Coding change: c.1509_1510delinsTG on transcript NM_002693.3 (MANE Select); coding-DNA positions 1509 to 1510, GA replaced by TG.
Protein change: p.Lys504Glu; replaces lysine 504 with glutamic acid.
Molecular consequence: missense variant.
Genome position (GRCh38, 1-based): chr15:89,326,987-89,326,988, TC replaced by CA on the plus strand (GA replaced by TG on the coding strand, the reverse complement: POLG is on the minus strand). VCF-style: chr15-89326987-TC-CA. GRCh37 (hg19) VCF-style: chr15-89870218-TC-CA.
Other names: p.K504E:AAG>GAG; c.1509_1510delinsTG, p.Lys504Glu (NM_001126131.2); short protein forms K504E.
Identifiers: ClinVar variation 206609 (VCV000206609.1), dbSNP rs796052909, ClinGen allele CA316858.
Genomic context (GRCh38, chr15:89,326,987, plus strand): 5'-GATCACCAGGGGCCCCAGCCCCCTCGATGGGCAACTTGCTGGCTGTGGCTGGTTCCTTCT[TC>CA]ACCTTCTTAGCTTTCTTCTGCTTAAATTCTTGCAGGTCCCACTCCAGGTCCCAGAGCCAG-3'
Protein context (NP_002684.1, residues 494-514): EFKQKKAKKV[Lys504Glu]KEPATASKLP